The following is an entry in ClinVar:

ClinVar aggregate classification (germline): Uncertain significance (1 of 4 stars; one submission).

Submission:

Labcorp Genetics (formerly Invitae), Labcorp
Classification: Uncertain significance. Last evaluated: 2025-01-15. Review status: criteria provided, single submitter. Criteria: Invitae Variant Classification Sherloc (09022015). Collection method: clinical testing. Allele origin: germline.
Comment: This sequence change replaces alanine, which is neutral and non-polar, with glycine, which is neutral and non-polar, at codon 1011 of the PRPF8 protein (p.Ala1011Gly). This variant is not present in population databases (gnomAD no frequency). This missense change has been observed in individual(s) with retinitis pigmentosa (internal data). Invitae Evidence Modeling of protein sequence and biophysical properties (such as structural, functional, and spatial information, amino acid conservation, physicochemical variation, residue mobility, and thermodynamic stability) indicates that this missense variant is not expected to disrupt PRPF8 protein function with a negative predictive value of 80%. In summary, the available evidence is currently insufficient to determine the role of this variant in disease. Therefore, it has been classified as a Variant of Uncertain Significance.

NM_006445.4(PRPF8):c.3032C>G (p.Ala1011Gly)

Gene: PRPF8 (pre-mRNA processing factor 8; minus strand). Cytogenetic location: 17p13.3.
Variant type: single nucleotide variant.
Coding change: c.3032C>G on transcript NM_006445.4 (MANE Select); coding-DNA position 3032, C replaced by G.
Protein change: p.Ala1011Gly; replaces alanine 1011 with glycine.
Molecular consequence: missense variant.
Genome position (GRCh38, 1-based): chr17:1,675,180, G>C on the plus strand (C>G on the coding strand, the complement: PRPF8 is on the minus strand). VCF-style: chr17-1675180-G-C. GRCh37 (hg19) VCF-style: chr17-1578474-G-C.
Other names: short protein forms A1011G.
Identifiers: ClinVar variation 3683382 (VCV003683382.2).